The following is an entry in ClinVar:

NM_020433.5(JPH2):c.416A>G (p.His139Arg)

Gene: JPH2 (junctophilin 2; minus strand). Cytogenetic location: 20q13.12.
Variant type: single nucleotide variant.
Coding change: c.416A>G on transcript NM_020433.5 (MANE Select); coding-DNA position 416, A replaced by G.
Protein change: p.His139Arg; replaces histidine 139 with arginine.
Molecular consequence: missense variant.
Genome position (GRCh38, 1-based): chr20:44,160,371, T>C on the plus strand (A>G on the coding strand, the complement: JPH2 is on the minus strand). VCF-style: chr20-44160371-T-C. GRCh37 (hg19) VCF-style: chr20-42789011-T-C.
Other names: short protein forms H139R.
Identifiers: ClinVar variation 1967835 (VCV001967835.5), dbSNP rs2072601799, ClinGen allele CA409094425.

ClinVar aggregate classification (germline): Uncertain significance (1 of 4 stars; one submission).

Conditions:
Hypertrophic cardiomyopathy. Also called: HYPERTROPHIC MYOCARDIOPATHY. Identifiers: Orphanet 217569, MedGen C0007194, MeSH D002312, MONDO:0005045, HP:0001639.

Allele frequency attached by ClinVar (database versions not stated): TOPMed below 0.00001.

Submission:

Labcorp Genetics (formerly Invitae), Labcorp
Classification: Uncertain significance for Hypertrophic cardiomyopathy. Last evaluated: 2022-06-12. Review status: criteria provided, single submitter. Criteria: Invitae Variant Classification Sherloc (09022015). Collection method: clinical testing. Allele origin: germline.
Comment: In summary, the available evidence is currently insufficient to determine the role of this variant in disease. Therefore, it has been classified as a Variant of Uncertain Significance. Algorithms developed to predict the effect of missense changes on protein structure and function (SIFT, PolyPhen-2, Align-GVGD) all suggest that this variant is likely to be disruptive. This variant has not been reported in the literature in individuals affected with JPH2-related conditions. This variant is not present in population databases (gnomAD no frequency). This sequence change replaces histidine, which is basic and polar, with arginine, which is basic and polar, at codon 139 of the JPH2 protein (p.His139Arg).